The following is an entry in ClinVar:

NM_018089.3(ANKZF1):c.979G>A (p.Ala327Thr)

Gene: ANKZF1 (ankyrin repeat and zinc finger peptidyl tRNA hydrolase 1; plus strand). Cytogenetic location: 2q35.
Variant type: single nucleotide variant.
Coding change: c.979G>A on transcript NM_018089.3 (MANE Select); coding-DNA position 979, G replaced by A.
Protein change: p.Ala327Thr; replaces alanine 327 with threonine.
Molecular consequence: missense variant.
Genome position (GRCh38, 1-based): chr2:219,233,874, G>A. VCF-style: chr2-219233874-G-A. GRCh37 (hg19) VCF-style: chr2-220098596-G-A.
Other names: c.979G>A, p.Ala327Thr (NM_001042410.2); c.349G>A, p.Ala117Thr (NM_001282792.2); c.979G>A (NM_018089.2); short protein forms A117T, A327T.
Identifiers: ClinVar variation 1508265 (VCV001508265.10), dbSNP rs371350979, ClinGen allele CA2120917.

ClinVar aggregate classification (germline): Uncertain significance. Review status: criteria provided, multiple submitters, no conflicts (2 of 4 stars). 2 submissions from 2 submitters: Uncertain significance (2). Last evaluated 2025-11-12.

Allele frequency attached by ClinVar (database versions not stated): ExAC 0.00001; gnomAD exomes 0.00001; gnomAD 0.00003; TOPMed 0.00004; ESP Exome Variant Server 0.00008.
gnomAD v4.1: 21 of 1,611,504 alleles (0.0013%); highest among the groups gnomAD compares: African/African-American, 0.0094%; no homozygotes.

Submissions (2):

Ambry Genetics
Classification: Uncertain significance. Last evaluated: 2025-11-12. Review status: criteria provided, single submitter. Criteria: Ambry Variant Classification Scheme 2023. Collection method: clinical testing. Allele origin: germline.

Labcorp Genetics (formerly Invitae), Labcorp
Classification: Uncertain significance. Last evaluated: 2023-09-01. Review status: criteria provided, single submitter. Criteria: Invitae Variant Classification Sherloc (09022015). Collection method: clinical testing. Allele origin: germline.
Comment: This sequence change replaces alanine, which is neutral and non-polar, with threonine, which is neutral and polar, at codon 327 of the ANKZF1 protein (p.Ala327Thr). This variant is present in population databases (rs371350979, gnomAD 0.01%). This variant has not been reported in the literature in individuals affected with ANKZF1-related conditions. ClinVar contains an entry for this variant (Variation ID: 1508265). Algorithms developed to predict the effect of missense changes on protein structure and function output the following: SIFT: "Not Available"; PolyPhen-2: "Benign"; Align-GVGD: "Not Available". The threonine amino acid residue is found in multiple mammalian species, which suggests that this missense change does not adversely affect protein function. In summary, the available evidence is currently insufficient to determine the role of this variant in disease. Therefore, it has been classified as a Variant of Uncertain Significance.